The following is an entry in ClinVar:

ClinVar aggregate classification (germline): Conflicting classifications of pathogenicity. Review status: criteria provided, conflicting classifications (1 of 4 stars). 18 submissions from 18 submitters: Pathogenic (1); Uncertain significance (2); Benign (5); Likely benign (3). 7 of the submissions do not count toward it. Last evaluated 2026-06-01.

Conditions:
EDA-related disorder. Also called: EDA-related condition; EDA-related disorders.
Hypohidrotic X-linked ectodermal dysplasia (XHED). Also called: ECTODERMAL DYSPLASIA 1, HYPOHIDROTIC/HAIR/TOOTH TYPE, X-LINKED; Christ-Siemans-Touraine syndrome; ECTODERMAL DYSPLASIA 1; Ectodermal Dysplasia 1, Anhidrotic; ECTODERMAL DYSPLASIA 1, HYPOHIDROTIC, X-LINKED; Anhidrotic ectodermal dysplasia X-linked. Identifiers: Orphanet 181, Orphanet 238468, MedGen C0162359, MONDO:0010585, OMIM 305100.

Allele frequency attached by ClinVar (database versions not stated): 1000 Genomes Project 0.00132; 1000 Genomes Project 30x 0.00166; gnomAD exomes 0.00286 and 0.00510; TOPMed 0.00296; gnomAD 0.00303 and 0.00312; ExAC 0.00314.
gnomAD v4.1: 5,867 of 1,210,205 alleles (0.48%); highest among the groups gnomAD compares: Non-Finnish European, 0.6%; 17 homozygotes.

Submissions (18):

CeGaT Center for Human Genetics Tuebingen
Classification: Likely benign. Last evaluated: 2026-06-01. Review status: criteria provided, single submitter. Criteria: CeGaT Center For Human Genetics Tuebingen Variant Classification Criteria Version 2. Collection method: clinical testing. Allele origin: germline. Affected: yes. Observed: 9 variant alleles.
Comment: EDA: PP3, BS2

Labcorp Genetics (formerly Invitae), Labcorp
Classification: Benign for Hypohidrotic X-linked ectodermal dysplasia. Last evaluated: 2026-01-28. Review status: criteria provided, single submitter. Criteria: Invitae Variant Classification Sherloc (09022015). Collection method: clinical testing. Allele origin: germline.

Blueprint Genetics
Classification: Likely benign. Last evaluated: 2024-11-21. Review status: criteria provided, single submitter. Criteria: ACMG Guidelines, 2015. Collection method: clinical testing. Allele origin: germline.

ARUP Laboratories, Molecular Genetics and Genomics, ARUP Laboratories
Classification: Benign. Last evaluated: 2023-11-22. Review status: criteria provided, single submitter. Criteria: ARUP Molecular Germline Variant Investigation Process 2024. Collection method: clinical testing. Allele origin: germline.

Women's Health and Genetics/Laboratory Corporation of America, LabCorp
Classification: Benign. Last evaluated: 2023-02-17. Review status: criteria provided, single submitter. Criteria: LabCorp Variant Classification Summary - May 2015. Collection method: clinical testing. Allele origin: germline.
Comment: Variant summary: EDA c.206G>T (p.Arg69Leu) results in a non-conservative amino acid change in the encoded protein sequence. Three of five in-silico tools predict a damaging effect of the variant on protein function. The variant allele was found at a frequency of 0.0029 in 181348 control chromosomes in the gnomAD database, including 201 hemizygotes and 1 homozygote. The high occurrence of hemizygotes suggests that the variant is benign. Although the variant, c.206G>T, has been reported in the literature in individuals affected with Hypohidrotic Ectodermal Dysplasia or related phenotypes (e.g. Kere_1996, Vincent_2001, Stagi_2009, Schneider_2011, Dietz_2013, Bonds_2014, Burger_2014, Ferstl_2018), however, no evidence for cosegregation was reported. In addition, in some of these cases co-occurrences with other pathogenic variants have been reported, which could explain the phenotype (EDA c.991C>T (p.Gln331Ter), Dietz_2013; EDA c.467G>A (p.Arg156His), Stagi_2009; TP63 c.952C>T (p.Arg318Cys), Ferstl_2018), providing supporting evidence for a benign role. To our knowledge, no experimental evidence demonstrating an impact on protein function has been reported. Nine submitters have provided clinical-significance assessments for this variant to ClinVar after 2014 with conflicting assessments, including pathogenic (n=1), uncertain significance (n=2), and benign (n=4) / likely benign (n=2). Based on the evidence outlined above, the variant was classified as benign.

Genome-Nilou Lab
Classification: Uncertain significance for Hypohidrotic X-linked ectodermal dysplasia. Last evaluated: 2021-05-18. Review status: criteria provided, single submitter. Criteria: ACMG Guidelines, 2015. Collection method: clinical testing. Allele origin: germline. Affected: no.

Mendelics
Classification: Uncertain significance for Hypohidrotic X-linked ectodermal dysplasia. Last evaluated: 2019-05-28. Review status: criteria provided, single submitter. Criteria: Mendelics Assertion Criteria 2017. Collection method: clinical testing. Allele origin: unknown.

GeneDx
Classification: Likely benign. Last evaluated: 2019-02-15. Review status: criteria provided, single submitter. Criteria: GeneDx Variant Classification Process June 2021. Collection method: clinical testing. Allele origin: germline. Affected: yes.
Comment: This variant is associated with the following publications: (PMID: 8696334, 24631698, 26600092)

Genomic Research Center, Shahid Beheshti University of Medical Sciences
Classification: Pathogenic for Hypohidrotic X-linked ectodermal dysplasia. Last evaluated: 2017-12-03. Review status: criteria provided, single submitter. Criteria: ACMG Guidelines, 2015. Collection method: clinical testing. Allele origin: inherited. Affected: yes.

Center for Pediatric Genomic Medicine, Children's Mercy Hospital and Clinics
Classification: Benign. Last evaluated: 2017-01-05. Review status: criteria provided, single submitter. Criteria: ACMG Guidelines, 2015. Collection method: clinical testing. Allele origin: germline.

Laboratory for Molecular Medicine, Mass General Brigham Personalized Medicine
Classification: Benign. Last evaluated: 2015-04-03. Review status: criteria provided, single submitter. Criteria: LMM Criteria. Collection method: clinical testing. Allele origin: germline. Observed: 1 variant allele.
Comment: p.Arg69Leu in exon 1 of EDA: This variant has been reported in 5 probands with X LHED, one of whom also carried a pathogenic variant in the same gene (Kere1996, Vincent 2001, Schneider 2011, Dietz 2013). However, this variant is not expected to have clinical significance because it has been identified in 0.5% (231/47072 ) of European chromosomes (94 hemizygotes) by the Exome Aggregation Consortium ( ExAC; dbSNP rs132630309).

PreventionGenetics, part of Exact Sciences
Classification: Likely benign for EDA-related condition. Last evaluated: 2022-06-14. Review status: no assertion criteria provided. Collection method: clinical testing. Allele origin: germline. Not counted in ClinVar's aggregate classification.
Comment: This variant is classified as likely benign based on ACMG/AMP sequence variant interpretation guidelines (Richards et al. 2015 PMID: 25741868, with internal and published modifications).

Natera, Inc.
Classification: Likely benign for Christ-Siemens-Touraine syndrome. Last evaluated: 2020-01-17. Review status: no assertion criteria provided. Collection method: clinical testing. Allele origin: germline. Not counted in ClinVar's aggregate classification.

Clinical Genetics DNA and cytogenetics Diagnostics Lab, Erasmus MC, Erasmus Medical Center
Classification: Benign. Review status: no assertion criteria provided. Collection method: clinical testing. Allele origin: germline. Affected: yes. Study: VKGL Data-share Consensus. Not counted in ClinVar's aggregate classification.

Diagnostic Laboratory, Department of Genetics, University Medical Center Groningen
Classification: Likely benign. Review status: no assertion criteria provided. Collection method: clinical testing. Allele origin: germline. Affected: yes. Study: VKGL Data-share Consensus. Not counted in ClinVar's aggregate classification.

Genome Diagnostics Laboratory, University Medical Center Utrecht
Classification: Likely benign. Review status: no assertion criteria provided. Collection method: clinical testing. Allele origin: germline. Affected: yes. Study: VKGL Data-share Consensus. Not counted in ClinVar's aggregate classification.

Laboratory of Diagnostic Genome Analysis, Leiden University Medical Center (LUMC)
Classification: Likely benign. Review status: no assertion criteria provided. Collection method: clinical testing. Allele origin: germline. Affected: yes. Study: VKGL Data-share Consensus. Not counted in ClinVar's aggregate classification.

OMIM
Classification: Pathogenic for ECTODERMAL DYSPLASIA 1, HYPOHIDROTIC/HAIR/TOOTH TYPE, X-LINKED. Last evaluated: 1996-08-01. Review status: flagged submission. Collection method: literature only. Allele origin: germline. Not counted in ClinVar's aggregate classification.
ClinVar note: Reason: Outlier claim with insufficient supporting evidence

Literature cited by the submitters: PubMed 24631698 (cited by Women's Health and Genetics/Laboratory Corporation of America, LabCorp); PubMed 24715423 (cited by Women's Health and Genetics/Laboratory Corporation of America, LabCorp); PubMed 23553579 (cited by Women's Health and Genetics/Laboratory Corporation of America, LabCorp and Laboratory for Molecular Medicine, Mass General Brigham Personalized Medicine); PubMed 30088137 (cited by Women's Health and Genetics/Laboratory Corporation of America, LabCorp); PubMed 8696334 (cited by 3 submitters); PubMed 21357618 (cited by Women's Health and Genetics/Laboratory Corporation of America, LabCorp and Laboratory for Molecular Medicine, Mass General Brigham Personalized Medicine); PubMed 19960895 (cited by Women's Health and Genetics/Laboratory Corporation of America, LabCorp); PubMed 11378824 (cited by Women's Health and Genetics/Laboratory Corporation of America, LabCorp and Laboratory for Molecular Medicine, Mass General Brigham Personalized Medicine).

NM_001399.5(EDA):c.206G>T (p.Arg69Leu)

Gene: EDA (ectodysplasin A; plus strand). Cytogenetic location: Xq13.1.
Variant type: single nucleotide variant.
Coding change: c.206G>T on transcript NM_001399.5 (MANE Select); coding-DNA position 206, G replaced by T.
Protein change: p.Arg69Leu; replaces arginine 69 with leucine.
Molecular consequence: missense variant.
Genome position (GRCh38, 1-based): chrX:69,616,514, G>T. VCF-style: chrX-69616514-G-T. GRCh37 (hg19) VCF-style: chrX-68836358-G-T.
Other names: c.206G>T, p.Arg69Leu (NM_001005609.2, NM_001005610.4, NM_001005612.3 and 1 more transcripts); short protein forms R69L.
Identifiers: ClinVar variation 11032 (VCV000011032.72), dbSNP rs132630309, ClinGen allele CA255650.